The following is an entry in ClinVar:

NM_000256.3(MYBPC3):c.2188A>C (p.Thr730Pro)

Gene: MYBPC3 (myosin binding protein C3; minus strand). Cytogenetic location: 11p11.2.
Variant type: single nucleotide variant.
Coding change: c.2188A>C on transcript NM_000256.3 (MANE Select); coding-DNA position 2188, A replaced by C.
Protein change: p.Thr730Pro; replaces threonine 730 with proline.
Molecular consequence: missense variant.
Genome position (GRCh38, 1-based): chr11:47,338,640, T>G on the plus strand (A>C on the coding strand, the complement: MYBPC3 is on the minus strand). VCF-style: chr11-47338640-T-G. GRCh37 (hg19) VCF-style: chr11-47360191-T-G.
Other names: short protein forms T730P.
Identifiers: ClinVar variation 2625337 (VCV002625337.4), dbSNP rs763341155, ClinGen allele CA078576.
Genomic context (GRCh38, chr11:47,338,640, plus strand): 5'-TGTAGACGCCCTCATCTTCCTTCTCTGCCCCCTCGACCGTGAAGATGCTGCGGTCCTTGG[T>G]GGTCTCCACGCGGACCCGGCCCTCGGTCTCACACAGCAGCTGGGGGGGTGCAGAGTTGGG-3'
Protein context (NP_000247.2, residues 720-740): ETEGRVRVET[Thr730Pro]KDRSIFTVEG

ClinVar aggregate classification (germline): Uncertain significance. Review status: criteria provided, multiple submitters, no conflicts (2 of 4 stars). 2 submissions from 2 submitters: Uncertain significance (2). Last evaluated 2026-02-26.

Conditions:
Cardiovascular phenotype. Identifiers: MedGen CN230736.
Hypertrophic cardiomyopathy. Also called: HYPERTROPHIC MYOCARDIOPATHY. Identifiers: Orphanet 217569, MedGen C0007194, MeSH D002312, MONDO:0005045, HP:0001639.

Allele frequency attached by ClinVar (database versions not stated): ExAC 0.00001; gnomAD exomes 0.00001.
gnomAD v4.1: 12 of 1,613,858 alleles (0.00074%); highest among the groups gnomAD compares: Non-Finnish European, 0.001%; no homozygotes.

Submissions (2):

Ambry Genetics
Classification: Uncertain significance for Cardiovascular phenotype. Last evaluated: 2026-02-26. Review status: criteria provided, single submitter. Criteria: Ambry Variant Classification Scheme 2023. Collection method: clinical testing. Allele origin: germline.

All of Us Research Program, National Institutes of Health
Classification: Uncertain significance for Hypertrophic cardiomyopathy. Last evaluated: 2023-08-23. Review status: criteria provided, single submitter. Criteria: ACMG Guidelines, 2015. Collection method: clinical testing. Allele origin: germline. Inheritance: Autosomal dominant inheritance. Observed: 1 variant allele, 1 heterozygote.
Comment: This missense variant replaces threonine with proline at codon 730 of the MYBPC3 protein. Computational prediction suggests that this variant may not impact protein structure and function (internally defined REVEL score threshold <= 0.5, PMID: 27666373). To our knowledge, functional studies have not been reported for this variant. This variant has not been reported in individuals affected with MYBPC3-related disorders in the literature. This variant has been identified in 1/248576 chromosomes in the general population by the Genome Aggregation Database (gnomAD). The available evidence is insufficient to determine the role of this variant in disease conclusively. Therefore, this variant is classified as a Variant of Uncertain Significance.

This study involves interpretation of variants in research participants for the purpose of population health screening. Participant phenotype was not available at the time of variant classification. Additional details can be found in publication PMID: 35346344, PMCID: PMC8962531